The following is an entry in ClinVar:

ClinVar aggregate classification (germline): Pathogenic (1 of 4 stars; one submission).

Conditions:
Renal tubular acidosis, distal, 3, with or without sensorineural hearing loss (DRTA3). Identifiers: MedGen C5399980, MONDO:0011268, OMIM 602722.

gnomAD v4.1: 18 of 1,611,756 alleles (0.0011%); highest among the groups gnomAD compares: Non-Finnish European, 0.0015%; no homozygotes.

Submission:

MVZ Medizinische Genetik Mainz
Classification: Pathogenic for Renal tubular acidosis, distal, 3, with or without sensorineural hearing loss. Last evaluated: 2025-07-15. Review status: criteria provided, single submitter. Criteria: UK Practice Guidelines For Variant Classification V4 01 2020. Collection method: clinical testing. Allele origin: germline. Inheritance: Autosomal recessive inheritance. Affected: yes. Observed: 1 variant allele.
Comment: ACMG Criteria: PVS1,PM3,PM2_SUP,PP4

NM_020632.3(ATP6V0A4):c.1072C>T (p.Gln358Ter)

Gene: ATP6V0A4 (ATPase H+ transporting V0 subunit a4; minus strand). Cytogenetic location: 7q34.
Variant type: single nucleotide variant.
Coding change: c.1072C>T on transcript NM_020632.3 (MANE Select); coding-DNA position 1072, C replaced by T.
Protein change: p.Gln358Ter; replaces glutamine 358 with a stop codon.
Molecular consequence: nonsense.
Genome position (GRCh38, 1-based): chr7:138,749,275, G>A on the plus strand (C>T on the coding strand, the complement: ATP6V0A4 is on the minus strand). VCF-style: chr7-138749275-G-A. GRCh37 (hg19) VCF-style: chr7-138434020-G-A.
Other names: c.1072C>T, p.Gln358Ter (NM_130840.3, NM_130841.3); short protein forms Q358*.
Identifiers: ClinVar variation 4857267 (VCV004857267.1).